The following is an entry in ClinVar:

NM_001164508.2(NEB):c.5828T>C (p.Leu1943Pro)

Gene: NEB (nebulin; minus strand). Cytogenetic location: 2q23.3.
Variant type: single nucleotide variant.
Coding change: c.5828T>C on transcript NM_001164508.2 (MANE Select); coding-DNA position 5828, T replaced by C.
Protein change: p.Leu1943Pro; replaces leucine 1943 with proline.
Molecular consequence: missense variant.
Genome position (GRCh38, 1-based): chr2:151,662,277, A>G on the plus strand (T>C on the coding strand, the complement: NEB is on the minus strand). VCF-style: chr2-151662277-A-G. GRCh37 (hg19) VCF-style: chr2-152518791-A-G.
Other names: c.5828T>C, p.Leu1943Pro (NM_001164507.2, NM_001271208.2, NM_004543.5); c.5828T>C (NM_004543.4); short protein forms L1943P.
Identifiers: ClinVar variation 423380 (VCV000423380.9), dbSNP rs531692437, ClinGen allele CA1910260.

ClinVar aggregate classification (germline): Conflicting classifications of pathogenicity. Review status: criteria provided, conflicting classifications (1 of 4 stars). 4 submissions from 4 submitters: Uncertain significance (2); Likely benign (1). 1 of the submissions does not count toward it. Last evaluated 2025-02-06.

Conditions:
Inborn genetic diseases. Identifiers: MedGen C0950123, MeSH D030342.
Nemaline myopathy 2 (NEM2). Also called: Nemaline myopathy 2, autosomal recessive. Identifiers: MedGen C1850569, MONDO:0009725, OMIM 256030.

Allele frequency attached by ClinVar (database versions not stated): TOPMed 0.00002; gnomAD 0.00003.
gnomAD v4.1: 20 of 1,613,506 alleles (0.0012%); highest among the groups gnomAD compares: Admixed American, 0.0017%; no homozygotes.

Submissions (4):

Labcorp Genetics (formerly Invitae), Labcorp
Classification: Likely benign for Nemaline myopathy 2. Last evaluated: 2025-02-06. Review status: criteria provided, single submitter. Criteria: Invitae Variant Classification Sherloc (09022015). Collection method: clinical testing. Allele origin: germline.

Ambry Genetics
Classification: Uncertain significance for Inborn genetic diseases. Last evaluated: 2023-04-20. Review status: criteria provided, single submitter. Criteria: Ambry Variant Classification Scheme 2023. Collection method: clinical testing. Allele origin: germline.

GeneDx
Classification: Uncertain significance. Last evaluated: 2017-02-03. Review status: criteria provided, single submitter. Criteria: GeneDx Variant Classification (06012015). Collection method: clinical testing. Allele origin: germline. Affected: yes.
Comment: The L1943P variant has not been published as a pathogenic variant, nor has it been reported as a benign variant to our knowledge. The L1943P variant is not observed at a significant frequency in large population cohorts (Lek et al., 2016; 1000 Genomes Consortium et al., 2015; Exome Variant Server). This variant is a semi-conservative amino acid substitution, which may impact secondary protein structure as these residues differ in some properties. This substitution occurs at a position that is conserved across species, and in silico analysis predicts this variant is probably damaging to the protein structure/function. However, missense variants in nearby residues have not been reported in the Human Gene Mutation Database in association with nemaline myopathy (Stenson et al., 2014).

Natera, Inc.
Classification: Uncertain significance for Nemaline myopathy type 2. Last evaluated: 2019-11-11. Review status: no assertion criteria provided. Collection method: clinical testing. Allele origin: germline. Not counted in ClinVar's aggregate classification.